The following is an entry in ClinVar:

ClinVar aggregate classification (germline): Likely pathogenic (1 of 4 stars; one submission).

Conditions:
Primary dilated cardiomyopathy (DCM). Also called: Dilated Cardiomyopathy. Identifiers: Orphanet 217604, MedGen C0007193, MeSH D002311, MONDO:0005021, HP:0001644. Inheritance: Various modes of inheritance.

Submission:

Laboratory for Molecular Medicine, Mass General Brigham Personalized Medicine
Classification: Likely pathogenic for Primary dilated cardiomyopathy. Last evaluated: 2018-11-02. Review status: criteria provided, single submitter. Criteria: LMM Criteria. Collection method: clinical testing. Allele origin: germline. Observed: 2 variant alleles.
Comment: proposed classification - variant undergoing re-assessment, contact laboratory

Literature cited by the submitters: PubMed 21211974; PubMed 27532257.

NM_000257.4(MYH7):c.2347C>G (p.Arg783Gly)

Genes: MYH7 (myosin heavy chain 7; minus strand), LOC126861898 (BRD4-independent group 4 enhancer GRCh37_chr14:23893609-23894808; plus strand). Cytogenetic location: 14q11.2.
Variant type: single nucleotide variant.
Coding change: c.2347C>G on transcript NM_000257.4 (MANE Select); coding-DNA position 2347, C replaced by G.
Protein change: p.Arg783Gly; replaces arginine 783 with glycine.
Molecular consequence: missense variant.
Genome position (GRCh38, 1-based): chr14:23,425,358, G>C on the plus strand (C>G on the coding strand, the complement: MYH7 is on the minus strand). VCF-style: chr14-23425358-G-C. GRCh37 (hg19) VCF-style: chr14-23894567-G-C.
Other names: short protein forms R783G.
Identifiers: ClinVar variation 164335 (VCV000164335.4), dbSNP rs727503258, ClinGen allele CA012174.